The following is an entry in ClinVar:

NM_001130987.2(DYSF):c.2674A>T (p.Lys892Ter)

Gene: DYSF (dysferlin; plus strand). Cytogenetic location: 2p13.2.
Variant type: single nucleotide variant.
Coding change: c.2674A>T on transcript NM_001130987.2 (MANE Select); coding-DNA position 2674, A replaced by T.
Protein change: p.Lys892Ter; replaces lysine 892 with a stop codon.
Molecular consequence: nonsense.
Genome position (GRCh38, 1-based): chr2:71,568,059, A>T. VCF-style: chr2-71568059-A-T. GRCh37 (hg19) VCF-style: chr2-71795189-A-T.
Other names: c.2623A>T, p.Lys875Ter (NM_001130455.2, NM_001130983.2); c.2578A>T, p.Lys860Ter (NM_001130976.2, NM_001130977.2); c.2620A>T, p.Lys874Ter (NM_001130978.2, NM_003494.4); c.2713A>T, p.Lys905Ter (NM_001130979.2); c.2671A>T, p.Lys891Ter (NM_001130980.2, NM_001130981.2); c.2716A>T, p.Lys906Ter (NM_001130982.2); c.2581A>T, p.Lys861Ter (NM_001130984.2, NM_001130986.2); c.2674A>T, p.Lys892Ter (NM_001130985.2); short protein forms K860*, K861*, K874*, K875*, K891*, K892*, K905*, K906*.
Identifiers: ClinVar variation 983674 (VCV000983674.4), dbSNP rs2092211777, ClinGen allele CA347213907.

ClinVar aggregate classification (germline): Likely pathogenic (1 of 4 stars; one submission).

Conditions:
Autosomal recessive limb-girdle muscular dystrophy. Identifiers: Orphanet 102015, MedGen C2931907, MONDO:0015152.

Submission:

Myriad Genetics, Inc.
Classification: Likely pathogenic for Autosomal recessive limb-girdle muscular dystrophy. Last evaluated: 2019-03-31. Review status: criteria provided, single submitter. Criteria: Myriad Autosomal Dominant, Autosomal Recessive and X-Linked Classification Criteria (2023). Collection method: clinical testing. Allele origin: unknown.
Comment: NM_003494.3(DYSF):c.2620A>T(K874*) is expected to be pathogenic in the context of dysferlinopathy. This variant is predicted to lead to an abnormal or absent protein product due to the creation of a premature termination codon in DYSF, a gene where loss-of-function variants are known to be pathogenic. Please note: this variant was assessed in the context of healthy population screening.